The following is an entry in ClinVar:

ClinVar aggregate classification (germline): Uncertain significance (1 of 4 stars; one submission).

Conditions:
Ellis-van Creveld syndrome (EVC). Also called: Chondroectodermal dysplasia; EVC-Related Ellis-van Creveld Syndrome; EVC2-Related Ellis-van Creveld Syndrome; MESOECTODERMAL DYSPLASIA. Identifiers: Orphanet 289, MedGen C0013903, MONDO:0009162, OMIM 225500.
Curry-Hall syndrome (WAD). Also called: WEYERS ACRODENTAL DYSOSTOSIS. Identifiers: Orphanet 952, MedGen C0457013, MONDO:0008673, OMIM 193530.

Submission:

Labcorp Genetics (formerly Invitae), Labcorp
Classification: Uncertain significance for Curry-Hall syndrome; Ellis-van Creveld syndrome. Last evaluated: 2021-08-09. Review status: criteria provided, single submitter. Criteria: Invitae Variant Classification Sherloc (09022015). Collection method: clinical testing. Allele origin: germline.
Comment: This variant, c.120_131del, results in the deletion of 4 amino acid(s) of the EVC protein (p.Gly41_Leu44del), but otherwise preserves the integrity of the reading frame. The frequency data for this variant in the population databases is considered unreliable, as metrics indicate insufficient coverage at this position in the ExAC database. This variant has not been reported in the literature in individuals with EVC-related conditions. Experimental studies and prediction algorithms are not available or were not evaluated, and the functional significance of this variant is currently unknown. In summary, the available evidence is currently insufficient to determine the role of this variant in disease. Therefore, it has been classified as a Variant of Uncertain Significance.

NM_153717.3(EVC):c.114CGGCCT[1] (p.39GL[1])

Gene: EVC (EvC ciliary complex subunit 1; plus strand). Cytogenetic location: 4p16.2.
Variant type: Microsatellite.
Coding change: c.114CGGCCT[1] on transcript NM_153717.3 (MANE Select); one copy of the 6-base unit CGGCCT starting at c.114; the reference has three copies in a row; two copies, 12 bases deleted.
Protein change: p.39GL[1].
Molecular consequence: inframe deletion.
Genome position (GRCh38, 1-based): chr4:5,711,500-5,711,511, CGGCCTCGGCCT deleted; deleting any 12 consecutive bases within chr4:5,711,492-5,711,511 gives the same sequence; the position shown is the placement nearest the transcript's 3' end. VCF-style (leftmost placement, unchanged base first): chr4-5711491-GCTCGGCCTCGGC-G. GRCh37 (hg19) VCF-style: chr4-5713218-GCTCGGCCTCGGC-G.
Other names: c.114CGGCCT[1], p.39GL[1] (NM_001306090.2, NM_001306092.2).
Identifiers: ClinVar variation 1525156 (VCV001525156.9), dbSNP rs1164121689, ClinGen allele CA2580616067.